The following is an entry in ClinVar:

ClinVar aggregate classification (germline): Uncertain significance. Review status: criteria provided, multiple submitters, no conflicts (2 of 4 stars). 3 submissions from 3 submitters: Uncertain significance (3). Last evaluated 2024-02-17.

Conditions:
SYNE1-related disorder. Also called: SYNE1-related disorders; SYNE1-related disease; SYNE1-related condition.
Emery-Dreifuss muscular dystrophy 4, autosomal dominant (EDMD4). Also called: EMERY-DREIFUSS MUSCULAR DYSTROPHY 4 WITH VARIABLE FEATURES. Identifiers: Orphanet 261, MedGen C2751807, MONDO:0013071, OMIM 612998.
Autosomal recessive ataxia, Beauce type. Also called: Spinocerebellar ataxia, autosomal recessive 8; ATAXIA, RECESSIVE, OF BEAUCE; SYNE1 Deficiency; SYNE1-Related Autosomal Recessive Cerebellar Ataxia. Identifiers: Orphanet 88644, MedGen C1853116, MONDO:0012549, OMIM 610743.

Submissions (3):

Labcorp Genetics (formerly Invitae), Labcorp
Classification: Uncertain significance for Emery-Dreifuss muscular dystrophy 4, autosomal dominant; Autosomal recessive ataxia, Beauce type. Last evaluated: 2024-02-17. Review status: criteria provided, single submitter. Criteria: Invitae Variant Classification Sherloc (09022015). Collection method: clinical testing. Allele origin: germline.
Comment: This variant, c.17995_17997del, results in the deletion of 1 amino acid(s) of the SYNE1 protein (p.Glu5999del), but otherwise preserves the integrity of the reading frame. This variant is present in population databases (rs777164980, gnomAD 0.003%). This variant has not been reported in the literature in individuals affected with SYNE1-related conditions. ClinVar contains an entry for this variant (Variation ID: 1807184). Experimental studies and prediction algorithms are not available or were not evaluated, and the functional significance of this variant is currently unknown. Algorithms developed to predict the effect of sequence changes on RNA splicing suggest that this variant may disrupt the consensus splice site. In summary, the available evidence is currently insufficient to determine the role of this variant in disease. Therefore, it has been classified as a Variant of Uncertain Significance.

PreventionGenetics, part of Exact Sciences
Classification: Uncertain significance for SYNE1-related condition. Last evaluated: 2023-09-01. Review status: criteria provided, single submitter. Criteria: ACMG Guidelines, 2015. Collection method: clinical testing. Allele origin: germline.
Comment: The SYNE1 c.17995_17997delGAG variant is predicted to result in an in-frame deletion (p.Glu5999del). To our knowledge, this variant has not been reported in the literature. This variant is reported in 0.0028% of alleles in individuals of Latino descent in gnomAD. At this time, the clinical significance of this variant is uncertain due to the absence of conclusive functional and genetic evidence.

Athena Diagnostics
Classification: Uncertain significance. Last evaluated: 2021-12-01. Review status: criteria provided, single submitter. Criteria: Athena Diagnostics Criteria. Collection method: clinical testing. Allele origin: unknown.

NM_033071.3(SYNE1):c.17995_17997delGAG

Gene: SYNE1 (spectrin repeat containing nuclear envelope protein 1; minus strand). Cytogenetic location: 6q25.2.
Variant type: Deletion.
Coding change: c.17995_17997delGAG on transcript NM_033071.3; coding-DNA positions 17995 to 17997, 3 bases deleted (GAG).
Genome position (GRCh38, 1-based): chr6:152,281,978-152,281,980, CTC deleted on the plus strand (GAG on the coding strand, the reverse complement: SYNE1 is on the minus strand); deleting any 3 consecutive bases within chr6:152,281,978-152,281,982 gives the same sequence; the c. name uses the placement nearest the transcript's 3' end. VCF-style (leftmost placement, unchanged base first): chr6-152281977-TCTC-T. GRCh37 (hg19) VCF-style: chr6-152603112-TCTC-T.
Identifiers: ClinVar variation 1807184 (VCV001807184.7), dbSNP rs777164980, ClinGen allele CA4055021.